The following is an entry in ClinVar:

NM_014956.5(CEP164):c.1480C>A (p.Pro494Thr)

Gene: CEP164 (centrosomal protein 164; plus strand). Cytogenetic location: 11q23.3.
Variant type: single nucleotide variant.
Coding change: c.1480C>A on transcript NM_014956.5 (MANE Select); coding-DNA position 1480, C replaced by A.
Protein change: p.Pro494Thr; replaces proline 494 with threonine.
Molecular consequence: missense variant.
Genome position (GRCh38, 1-based): chr11:117,381,771, C>A. VCF-style: chr11-117381771-C-A. GRCh37 (hg19) VCF-style: chr11-117252487-C-A.
Other names: p.Pro494Thr; c.1489C>A, p.Pro497Thr (NM_001271933.2); short protein forms P494T, P497T.
Identifiers: ClinVar variation 540297 (VCV000540297.15), dbSNP rs114396665, ClinGen allele CA6294768.

ClinVar aggregate classification (germline): Benign. Review status: criteria provided, multiple submitters, no conflicts (2 of 4 stars). 4 submissions from 4 submitters: Benign (3). 1 of the submissions does not count toward it. Last evaluated 2026-01-26.

Conditions:
CEP164-related disorder. Also called: CEP164-related condition.
Nephronophthisis 15 (NPHP15). Identifiers: Orphanet 3156, MedGen C3541853, MONDO:0013917, OMIM 614845.

Allele frequency attached by ClinVar (database versions not stated): 1000 Genomes Project 30x 0.00718; gnomAD 0.00703 and 0.00654; TOPMed 0.00668; 1000 Genomes Project 0.00559.
gnomAD v4.1: 1,971 of 1,603,380 alleles (0.12%); highest among the groups gnomAD compares: African/African-American, 2.3%; 22 homozygotes.

Submissions (4):

Labcorp Genetics (formerly Invitae), Labcorp
Classification: Benign for Nephronophthisis 15. Last evaluated: 2026-01-26. Review status: criteria provided, single submitter. Criteria: Invitae Variant Classification Sherloc (09022015). Collection method: clinical testing. Allele origin: germline.

Mayo Clinic Laboratories, Mayo Clinic
Classification: Benign. Last evaluated: 2024-11-19. Review status: criteria provided, single submitter. Criteria: ACMG Guidelines, 2015. Collection method: clinical testing. Allele origin: germline. Observed: 1 variant allele.
Comment: BS1, BS2, BP4

Breakthrough Genomics
Classification: Benign. Review status: criteria provided, single submitter. Criteria: ACMG Guidelines, 2015. Collection method: not provided. Allele origin: germline. Inheritance: Autosomal recessive inheritance. Affected: yes.

PreventionGenetics, part of Exact Sciences
Classification: Benign for CEP164-related condition. Last evaluated: 2024-08-05. Review status: no assertion criteria provided. Collection method: clinical testing. Allele origin: germline. Not counted in ClinVar's aggregate classification.
Comment: This variant is classified as benign based on ACMG/AMP sequence variant interpretation guidelines (Richards et al. 2015 PMID: 25741868, with internal and published modifications).

Literature cited by the submitters: PubMed 25616960 (cited by Mayo Clinic Laboratories, Mayo Clinic).